The following is an entry in ClinVar:

NM_005876.5(SPEG):c.5598T>A (p.Asp1866Glu)

Genes: ASIC4-AS1 (ASIC4 antisense RNA 1; minus strand), SPEG (striated muscle enriched protein kinase; plus strand). Cytogenetic location: 2q35.
Variant type: single nucleotide variant.
Coding change: c.5598T>A on transcript NM_005876.5 (MANE Select); coding-DNA position 5598, T replaced by A.
Protein change: p.Asp1866Glu; replaces aspartic acid 1866 with glutamic acid.
Molecular consequence: missense variant.
Genome position (GRCh38, 1-based): chr2:219,482,816, T>A. VCF-style: chr2-219482816-T-A. GRCh37 (hg19) VCF-style: chr2-220347538-T-A.
Other names: c.5598T>A (NM_005876.4); short protein forms D1866E.
Identifiers: ClinVar variation 1479122 (VCV001479122.4), dbSNP rs933657943, ClinGen allele CA65989527.

ClinVar aggregate classification (germline): Uncertain significance. Review status: criteria provided, multiple submitters, no conflicts (2 of 4 stars). 2 submissions from 2 submitters: Uncertain significance (2). Last evaluated 2025-12-16.

Conditions:
Inborn genetic diseases. Identifiers: MedGen C0950123, MeSH D030342.

Allele frequency attached by ClinVar (database versions not stated): gnomAD exomes below 0.00001 and 0.00001; TOPMed below 0.00001; gnomAD 0.00001.
gnomAD v4.1: 14 of 1,613,784 alleles (0.00087%); highest among the groups gnomAD compares: Non-Finnish European, 0.0012%; no homozygotes.

Submissions (2):

Ambry Genetics
Classification: Uncertain significance for Inborn genetic diseases. Last evaluated: 2025-12-16. Review status: criteria provided, single submitter. Criteria: Ambry Variant Classification Scheme 2023. Collection method: clinical testing. Allele origin: germline.

Labcorp Genetics (formerly Invitae), Labcorp
Classification: Uncertain significance. Last evaluated: 2021-08-02. Review status: criteria provided, single submitter. Criteria: Invitae Variant Classification Sherloc (09022015). Collection method: clinical testing. Allele origin: germline.
Comment: This sequence change replaces aspartic acid with glutamic acid at codon 1866 of the SPEG protein (p.Asp1866Glu). The aspartic acid residue is highly conserved and there is a small physicochemical difference between aspartic acid and glutamic acid. This variant is not present in population databases (ExAC no frequency). This variant has not been reported in the literature in individuals affected with SPEG-related conditions. Algorithms developed to predict the effect of missense changes on protein structure and function (SIFT, PolyPhen-2, Align-GVGD) all suggest that this variant is likely to be tolerated. In summary, the available evidence is currently insufficient to determine the role of this variant in disease. Therefore, it has been classified as a Variant of Uncertain Significance.